The following is an entry in ClinVar:

ClinVar aggregate classification (germline): Uncertain significance (1 of 4 stars; one submission).

Conditions:
Hereditary cancer-predisposing syndrome. Also called: Hereditary Cancer Syndrome; Hereditary neoplastic syndrome; Neoplastic Syndromes, Hereditary; Tumor predisposition. Identifiers: Orphanet 140162, MedGen C0027672, MeSH D009386, MONDO:0015356.

Submission:

Ambry Genetics
Classification: Uncertain significance for Hereditary cancer-predisposing syndrome. Last evaluated: 2025-07-22. Review status: criteria provided, single submitter. Criteria: Ambry Variant Classification Scheme 2023. Collection method: clinical testing. Allele origin: germline.
Comment: The p.G362E variant (also known as c.1085G>A), located in coding exon 11 of the FANCC gene, results from a G to A substitution at nucleotide position 1085. The glycine at codon 362 is replaced by glutamic acid, an amino acid with similar properties. This amino acid position is conserved. In addition, this alteration is predicted to be tolerated by in silico analysis. Based on the available evidence, the clinical significance of this variant remains unclear.

NM_000136.3(FANCC):c.1085G>A (p.Gly362Glu)

Genes: AOPEP (aminopeptidase O (putative); plus strand), FANCC (FA complementation group C; minus strand). Cytogenetic location: 9q22.32.
Variant type: single nucleotide variant.
Coding change: c.1085G>A on transcript NM_000136.3 (MANE Select); coding-DNA position 1085, G replaced by A.
Protein change: p.Gly362Glu; replaces glycine 362 with glutamic acid.
Molecular consequence: missense variant.
Genome position (GRCh38, 1-based): chr9:95,114,698, C>T on the plus strand (G>A on the coding strand, the complement: FANCC is on the minus strand). VCF-style: chr9-95114698-C-T. GRCh37 (hg19) VCF-style: chr9-97876980-C-T.
Other names: c.1085G>A, p.Gly362Glu (NM_001243743.2, NM_001243744.2); short protein forms G362E.
Identifiers: ClinVar variation 4254384 (VCV004254384.1).
Genomic context (GRCh38, chr9:95,114,698, plus strand): 5'-TGGTCTTCAACTGCTTCTCTGAGCAGTTCAGAAATATGCTTCAGTGTCTGGAGCCAGTGT[C>T]CCCGAGGGATATCTGCGGGTGGAGAGAGATACGTCAGAGGGCAACTGAGGAAATGTCAAG-3'
Protein context (NP_000127.2, residues 352-372): LLQDPQDIPR[Gly362Glu]HWLQTLKHIS